The following is an entry in ClinVar:

NM_004260.4(RECQL4):c.3070A>C (p.Thr1024Pro)

Gene: RECQL4 (RecQ like helicase 4; minus strand). Cytogenetic location: 8q24.3.
Variant type: single nucleotide variant.
Coding change: c.3070A>C on transcript NM_004260.4 (MANE Select); coding-DNA position 3070, A replaced by C.
Protein change: p.Thr1024Pro; replaces threonine 1024 with proline.
Molecular consequence: missense variant.
Genome position (GRCh38, 1-based): chr8:144,512,310, T>G on the plus strand (A>C on the coding strand, the complement: RECQL4 is on the minus strand). VCF-style: chr8-144512310-T-G. GRCh37 (hg19) VCF-style: chr8-145737693-T-G.
Other names: short protein forms T1024P.
Identifiers: ClinVar variation 864241 (VCV000864241.5), dbSNP rs1454305448, ClinGen allele CA372670873.

ClinVar aggregate classification (germline): Uncertain significance (1 of 4 stars; one submission).

Conditions:
Baller-Gerold syndrome (BGS). Also called: CRANIOSYNOSTOSIS WITH RADIAL DEFECTS. Identifiers: Orphanet 1225, MedGen C0265308, MONDO:0009039, OMIM 218600.

Submission:

Labcorp Genetics (formerly Invitae), Labcorp
Classification: Uncertain significance for Baller-Gerold syndrome. Last evaluated: 2019-12-05. Review status: criteria provided, single submitter. Criteria: Invitae Variant Classification Sherloc (09022015). Collection method: clinical testing. Allele origin: germline.
Comment: This sequence change replaces threonine with proline at codon 1024 of the RECQL4 protein (p.Thr1024Pro). The threonine residue is highly conserved and there is a small physicochemical difference between threonine and proline. This variant is not present in population databases (ExAC no frequency). This variant has not been reported in the literature in individuals with RECQL4-related conditions. Algorithms developed to predict the effect of missense changes on protein structure and function are either unavailable or do not agree on the potential impact of this missense change (SIFT: "Deleterious"; PolyPhen-2: "Probably Damaging"; Align-GVGD: "Class C0"). In summary, the available evidence is currently insufficient to determine the role of this variant in disease. Therefore, it has been classified as a Variant of Uncertain Significance.